The following is an entry in ClinVar:

NM_000388.4(CASR):c.2019G>C (p.Gln673His)

Gene: CASR (calcium sensing receptor; plus strand). Cytogenetic location: 3q21.1.
Variant type: single nucleotide variant.
Coding change: c.2019G>C on transcript NM_000388.4 (MANE Select); coding-DNA position 2019, G replaced by C.
Protein change: p.Gln673His; replaces glutamine 673 with histidine.
Molecular consequence: missense variant.
Genome position (GRCh38, 1-based): chr3:122,283,973, G>C. VCF-style: chr3-122283973-G-C. GRCh37 (hg19) VCF-style: chr3-122002820-G-C.
Other names: c.2049G>C, p.Gln683His (NM_001178065.2); short protein forms Q673H, Q683H.
Identifiers: ClinVar variation 1516299 (VCV001516299.6), dbSNP rs2107649800, ClinGen allele CA354158315.

ClinVar aggregate classification (germline): Uncertain significance (1 of 4 stars; one submission).

Conditions:
Familial hypocalciuric hypercalcemia (FHH). Also called: Familial benign hypercalcemia. Identifiers: Orphanet 405, MedGen C1809471, MONDO:0018458.
Autosomal dominant hypocalcemia 1 (HYPOC1). Also called: HYPOCALCEMIA, FAMILIAL. Identifiers: MONDO:0011013, OMIM 601198, MedGen C3715128.

Submission:

Labcorp Genetics (formerly Invitae), Labcorp
Classification: Uncertain significance for Familial hypocalciuric hypercalcemia; Autosomal dominant hypocalcemia 1. Last evaluated: 2021-08-30. Review status: criteria provided, single submitter. Criteria: Invitae Variant Classification Sherloc (09022015). Collection method: clinical testing. Allele origin: germline.
Comment: This sequence change replaces glutamine with histidine at codon 673 of the CASR protein (p.Gln673His). The glutamine residue is highly conserved and there is a small physicochemical difference between glutamine and histidine. This variant is not present in population databases (ExAC no frequency). This variant has not been reported in the literature in individuals affected with CASR-related conditions. Algorithms developed to predict the effect of missense changes on protein structure and function are either unavailable or do not agree on the potential impact of this missense change (SIFT: "Deleterious"; PolyPhen-2: "Possibly Damaging"; Align-GVGD: "Class C15"). In summary, the available evidence is currently insufficient to determine the role of this variant in disease. Therefore, it has been classified as a Variant of Uncertain Significance.